The following is an entry in ClinVar:

NM_005401.5(PTPN14):c.148G>A (p.Val50Met)

Gene: PTPN14 (protein tyrosine phosphatase non-receptor type 14; minus strand). Cytogenetic location: 1q41.
Variant type: single nucleotide variant.
Coding change: c.148G>A on transcript NM_005401.5 (MANE Select); coding-DNA position 148, G replaced by A.
Protein change: p.Val50Met; replaces valine 50 with methionine.
Molecular consequence: missense variant.
Genome position (GRCh38, 1-based): chr1:214,464,656, C>T on the plus strand (G>A on the coding strand, the complement: PTPN14 is on the minus strand). VCF-style: chr1-214464656-C-T. GRCh37 (hg19) VCF-style: chr1-214637999-C-T.
Other names: short protein forms V50M.
Identifiers: ClinVar variation 4974663 (VCV004974663.1).

ClinVar aggregate classification (germline): Uncertain significance (1 of 4 stars; one submission).

Conditions:
Lymphedema-posterior choanal atresia syndrome. Identifiers: Orphanet 99141, MedGen C3150875, MONDO:0013324, OMIM 613611.

Submission:

Clinical Genomics Laboratory, Washington University in St. Louis
Classification: Uncertain significance for Lymphedema-posterior choanal atresia syndrome. Last evaluated: 2025-10-17. Review status: criteria provided, single submitter. Criteria: ACMG Guidelines, 2015. Collection method: clinical testing. Allele origin: germline.
Comment: A PTPN14 c.148G>A (p.Val50Met) variant was identified at an allelic fraction consistent with somatic origin. This variant, to our knowledge, has not been reported in the medical literature or the ClinVar database. This variant is absent from the general population (gnomAD v4.1.0), indicating it is not a common variant. Computational predictors indicate that the variant is damaging, evidence that correlates with impact to PTPN14 function. Due to limited information, and based on internally developed protocol informed by the ACMG/AMP guidelines for variant interpretation and gene-specific practices from the ClinGen Criteria Specification Registry (Leon-Quintero FZ et al., PMID: 39434542), the clinical significance of the PTPN14 c.148G>A (p.Val50Met) variant is uncertain at this time.